The following is an entry in ClinVar:

ClinVar aggregate classification (germline): Likely pathogenic (1 of 4 stars; one submission).

Submission:

GeneDx
Classification: Likely pathogenic. Last evaluated: 2024-11-19. Review status: criteria provided, single submitter. Criteria: GeneDx Variant Classification Process June 2021. Collection method: clinical testing. Allele origin: germline. Affected: yes.
Comment: Frameshift variant predicted to result in protein truncation or nonsense mediated decay in a gene for which loss of function is a known mechanism of disease; Not observed at significant frequency in large population cohorts (gnomAD); Has not been previously published as pathogenic or benign to our knowledge

NM_020745.4(AARS2):c.115dup (p.Ala39fs)

Gene: AARS2 (alanyl-tRNA synthetase 2, mitochondrial; minus strand). Cytogenetic location: 6p21.1.
Variant type: Duplication.
Coding change: c.115dup on transcript NM_020745.4 (MANE Select); coding-DNA position 115, one base duplicated (G; older notation c.115dupG).
Protein change: p.Ala39fs; shifts the reading frame from alanine 39.
Molecular consequence: frameshift variant.
Genome position (GRCh38, 1-based): chr6:44,313,209, C duplicated on the plus strand (G on the coding strand, the reverse complement: AARS2 is on the minus strand); the first of 2 consecutive C bases (chr6:44,313,209-44,313,210); duplicating either gives the same sequence. VCF-style (leftmost placement, unchanged base first): chr6-44313208-G-GC. GRCh37 (hg19) VCF-style: chr6-44280945-G-GC.
Other names: c.115dupG (NM_020745.2); c.115dup (NM_020745.2); short protein forms A39fs.
Identifiers: ClinVar variation 452416 (VCV000452416.4), dbSNP rs971969514, ClinGen allele CA138396098.